The following is an entry in ClinVar:

NM_017882.3(CLN6):c.890del (p.Pro297fs)

Gene: CLN6 (CLN6 transmembrane ER protein; minus strand). Cytogenetic location: 15q23.
Variant type: Deletion.
Coding change: c.890del on transcript NM_017882.3 (MANE Select); coding-DNA position 890, one base deleted (C; older notation c.890delC).
Protein change: p.Pro297fs; shifts the reading frame from proline 297.
Molecular consequence: frameshift variant.
Genome position (GRCh38, 1-based): chr15:68,208,186, G deleted on the plus strand (C on the coding strand, the reverse complement: CLN6 is on the minus strand); the first of 3 consecutive G bases (chr15:68,208,186-68,208,188); deleting any one gives the same sequence. VCF-style (leftmost placement, unchanged base first): chr15-68208185-AG-A. GRCh37 (hg19) VCF-style: chr15-68500523-AG-A.
Other names: Pro297LeufsX53; c.890del (NM_017882.2); short protein forms P297fs.
Identifiers: ClinVar variation 68098 (VCV000068098.11), dbSNP rs154774639, ClinGen allele CA284821.

ClinVar aggregate classification (germline): Pathogenic/Likely pathogenic. Review status: criteria provided, multiple submitters, no conflicts (2 of 4 stars). 6 submissions from 6 submitters: Pathogenic (2); Likely pathogenic (2). 2 of the submissions do not count toward it. Last evaluated 2025-02-18.

Conditions:
Neuronal ceroid lipofuscinosis. Also called: Neuronal Ceroid Lipofuscinoses. Identifiers: Orphanet 216, Orphanet 79263, MedGen C0027877, MONDO:0016295. Disease mechanism: loss of function.
Ceroid lipofuscinosis, neuronal, 6A. Also called: Neuronal ceroid lipofuscinosis, late infantile, variant; Neuronal ceroid lipofuscinosis, Gypsy/Indian early juvenile variant; Neuronal ceroid lipofuscinosis 6; CLN6-Related Neuronal Ceroid-Lipofuscinosis. Identifiers: Orphanet 168491, Orphanet 228363, MedGen C5551375, MONDO:0011144, OMIM 601780.

Submissions (6):

Natera, Inc.
Classification: Likely pathogenic for Ceroid lipofuscinosis, neuronal, 6A. Last evaluated: 2025-02-18. Review status: criteria provided, single submitter. Criteria: Natera Variant Classification Schema (03/2026). Collection method: clinical testing. Allele origin: germline.
Comment: The c.890delC variant in CLN6 is a frameshift variant predicted to elongate the protein beyond the termination codon. This variant is expected to result in nonsense mediated decay, truncation, or a dysfunctional protein product. This variant is rare in the general population with a frequency below the threshold expected for the associated phenotype(s). This variant has been observed in one or more individuals affected with the associated recessive disease, as either homozygous or compound heterozygous with a second variant (PMID: 30561534). Additionally, this variant has been observed to segregate in affected family members (PMID: 30561534). Given the available evidence, this variant is classified as Likely Pathogenic.

Labcorp Genetics (formerly Invitae), Labcorp
Classification: Pathogenic for Neuronal ceroid lipofuscinosis. Last evaluated: 2023-09-08. Review status: criteria provided, single submitter. Criteria: Invitae Variant Classification Sherloc (09022015). Collection method: clinical testing. Allele origin: germline.
Comment: This premature translational stop signal has been observed in individual(s) with neuronal ceroid lipofuscinosis (PMID: 21549341). ClinVar contains an entry for this variant (Variation ID: 68098). This variant disrupts a region of the CLN6 protein in which other variant(s) (p.Pro299Leu) have been determined to be pathogenic (PMID: 19135028). This suggests that this is a clinically significant region of the protein, and that variants that disrupt it are likely to be disease-causing. For these reasons, this variant has been classified as Pathogenic. This sequence change creates a premature translational stop signal (p.Pro297Leufs*53) in the CLN6 gene. While this is not anticipated to result in nonsense mediated decay, it is expected to disrupt the last 15 amino acid(s) of the CLN6 protein. This variant is present in population databases (rs154774639, gnomAD 0.003%).

Women's Health and Genetics/Laboratory Corporation of America, LabCorp
Classification: Likely pathogenic for Neuronal ceroid lipofuscinosis. Last evaluated: 2023-08-14. Review status: criteria provided, single submitter. Criteria: LabCorp Variant Classification Summary - May 2015. Collection method: clinical testing. Allele origin: germline.
Comment: Variant summary: CLN6 c.890delC (p.Pro297LeufsX53) causes a frameshift which alters the last 15 amino acids and results in an extension of the protein. A missense variant downstream of this position (p.Pro299Leu) has been classified as pathogenic/likely pathogenic by ClinVar submitters with clinical evidence, suggesting this may be a clinically important region of the protein. The variant allele was found at a frequency of 1.2e-05 in 251320 control chromosomes (gnomAD). c.890delC has been reported in the literature in individuals affected with Neuronal Ceroid-Lipofuscinosis (Arsov_2011). These data indicate that the variant may be associated with disease. To our knowledge, no experimental evidence demonstrating an impact on protein function has been reported. The following publication has been ascertained in the context of this evaluation (PMID: 21549341). Three submitters have cited clinical-significance assessments for this variant to ClinVar after 2014. All submitters classified the variant as pathogenic/likely pathogenic. Based on the evidence outlined above, the variant was classified as likely pathogenic.

Greenwood Genetic Center Diagnostic Laboratories, Greenwood Genetic Center
Classification: Pathogenic. Last evaluated: 2020-07-14. Review status: criteria provided, single submitter. Criteria: ACMG Guidelines, 2015. Collection method: clinical testing. Allele origin: germline. Affected: yes.
Comment: PVS1, PM2, PM3

Counsyl
Classification: Likely pathogenic for Ceroid lipofuscinosis, neuronal, 6A. Last evaluated: 2017-09-28. Review status: no assertion criteria provided. Collection method: clinical testing. Allele origin: unknown. Not counted in ClinVar's aggregate classification.

SNPedia
No classification provided. Review status: no classification provided. Collection method: not provided. Allele origin: germline. Not counted in ClinVar's aggregate classification.
Comment: Kufs Type A disease

Literature cited by the submitters: PubMed 30561534 (cited by Natera, Inc.); PubMed 21549341 (cited by 3 submitters); PubMed 19135028 (cited by Labcorp Genetics (formerly Invitae), Labcorp).